The following is an entry in ClinVar:

ClinVar aggregate classification (germline): Uncertain significance (1 of 4 stars; one submission).

Conditions:
Axenfeld-Rieger syndrome type 3 (RIEG3). Also called: AXENFELD-RIEGER ANOMALY WITH CARDIAC DEFECTS AND/OR SENSORINEURAL HEARING LOSS. Identifiers: Orphanet 782, MedGen C2678503, MONDO:0011233, OMIM 602482.

gnomAD v4.1: 1 of 1,409,662 alleles (0.000071%); no homozygotes.

Submission:

Labcorp Genetics (formerly Invitae), Labcorp
Classification: Uncertain significance for Axenfeld-Rieger syndrome type 3. Last evaluated: 2021-12-03. Review status: criteria provided, single submitter. Criteria: Invitae Variant Classification Sherloc (09022015). Collection method: clinical testing. Allele origin: germline.
Comment: This sequence change replaces serine, which is neutral and polar, with tyrosine, which is neutral and polar, at codon 290 of the FOXC1 protein (p.Ser290Tyr). This variant is not present in population databases (gnomAD no frequency). This variant has not been reported in the literature in individuals affected with FOXC1-related conditions. Algorithms developed to predict the effect of missense changes on protein structure and function are either unavailable or do not agree on the potential impact of this missense change (SIFT: "Deleterious"; PolyPhen-2: "Benign"; Align-GVGD: "Class C0"). In summary, the available evidence is currently insufficient to determine the role of this variant in disease. Therefore, it has been classified as a Variant of Uncertain Significance.

NM_001453.3(FOXC1):c.869C>A (p.Ser290Tyr)

Gene: FOXC1 (forkhead box C1; plus strand). Cytogenetic location: 6p25.3.
Variant type: single nucleotide variant.
Coding change: c.869C>A on transcript NM_001453.3 (MANE Select); coding-DNA position 869, C replaced by A.
Protein change: p.Ser290Tyr; replaces serine 290 with tyrosine.
Molecular consequence: missense variant.
Genome position (GRCh38, 1-based): chr6:1,611,314, C>A. VCF-style: chr6-1611314-C-A. GRCh37 (hg19) VCF-style: chr6-1611549-C-A.
Other names: short protein forms S290Y.
Identifiers: ClinVar variation 1429216 (VCV001429216.6), dbSNP rs775681400, ClinGen allele CA362559743.
Genomic context (GRCh38, chr6:1,611,314, plus strand): 5'-GGAGCAGCCCCCCGGGCAGCCTGCCGTCGGCGCGGCCGCTCAGCCTGGACGGTGCGGATT[C>A]CGCGCCGCCGCCGCCCGCGCCCTCCGCCCCGCCGCCGCACCATAGCCAGGGCTTCAGCGT-3'
Protein context (NP_001444.2, residues 280-300): ARPLSLDGAD[Ser290Tyr]APPPPAPSAP